The following is an entry in ClinVar:

NM_138295.5(PKD1L1):c.6587G>A (p.Trp2196Ter)

Gene: PKD1L1 (polycystin 1 like 1, transient receptor potential channel interacting; minus strand). Cytogenetic location: 7p12.3.
Variant type: single nucleotide variant.
Coding change: c.6587G>A on transcript NM_138295.5 (MANE Select); coding-DNA position 6587, G replaced by A.
Protein change: p.Trp2196Ter; replaces tryptophan 2196 with a stop codon.
Molecular consequence: nonsense.
Genome position (GRCh38, 1-based): chr7:47,829,573, C>T on the plus strand (G>A on the coding strand, the complement: PKD1L1 is on the minus strand). VCF-style: chr7-47829573-C-T. GRCh37 (hg19) VCF-style: chr7-47869171-C-T.
Other names: short protein forms W2196*.
Identifiers: ClinVar variation 3032981 (VCV003032981.3), dbSNP rs769346811, ClinGen allele CA4252390.

ClinVar aggregate classification (germline): Pathogenic. Review status: criteria provided, single submitter (1 of 4 stars). 2 submissions from 2 submitters: Pathogenic (1). 1 of the submissions does not count toward it. Last evaluated 2025-09-12.

Conditions:
PKD1L1-related disorder. Also called: PKD1L1-related condition.

Allele frequency attached by ClinVar (database versions not stated): gnomAD exomes 0.00001; ExAC 0.00002.
gnomAD v4.1: 4 of 1,612,816 alleles (0.00025%); highest among the groups gnomAD compares: Admixed American, 0.0067%; no homozygotes.

Submissions (2):

Labcorp Genetics (formerly Invitae), Labcorp
Classification: Pathogenic. Last evaluated: 2025-09-12. Review status: criteria provided, single submitter. Criteria: Invitae Variant Classification Sherloc (09022015). Collection method: clinical testing. Allele origin: germline.
Comment: This sequence change creates a premature translational stop signal (p.Trp2196*) in the PKD1L1 gene. It is expected to result in an absent or disrupted protein product. Loss-of-function variants in PKD1L1 are known to be pathogenic (PMID: 27616478). This variant is present in population databases (rs769346811, gnomAD 0.01%). This variant has not been reported in the literature in individuals affected with PKD1L1-related conditions. ClinVar contains an entry for this variant (Variation ID: 3032981). Algorithms developed to predict the effect of sequence changes on RNA splicing suggest that this variant may disrupt the consensus splice site. For these reasons, this variant has been classified as Pathogenic.

PreventionGenetics, part of Exact Sciences
Classification: Likely pathogenic for PKD1L1-related condition. Last evaluated: 2024-01-12. Review status: no assertion criteria provided. Collection method: clinical testing. Allele origin: germline. Not counted in ClinVar's aggregate classification.
Comment: The PKD1L1 c.6587G>A variant is predicted to result in premature protein termination (p.Trp2196*). To our knowledge, this variant has not been reported in the literature. This variant is reported in 0.012% of alleles in individuals of Latino descent in gnomAD. Nonsense variants in PKD1L1 are expected to be pathogenic. This variant is interpreted as likely pathogenic.

Literature cited by the submitters: PubMed 27616478 (cited by Labcorp Genetics (formerly Invitae), Labcorp).